The following is an entry in ClinVar:

NM_000593.6(TAP1):c.1109C>A (p.Ala370Asp)

Gene: TAP1 (transporter 1, ATP binding cassette subfamily B member; minus strand). Cytogenetic location: 6p21.32.
Variant type: single nucleotide variant.
Coding change: c.1109C>A on transcript NM_000593.6 (MANE Select); coding-DNA position 1109, C replaced by A.
Protein change: p.Ala370Asp; replaces alanine 370 with aspartic acid.
Molecular consequence: missense variant.
Genome position (GRCh38, 1-based): chr6:32,850,459, G>T on the plus strand (C>A on the coding strand, the complement: TAP1 is on the minus strand). VCF-style: chr6-32850459-G-T. GRCh37 (hg19) VCF-style: chr6-32818236-G-T.
Other names: c.506C>A, p.Ala169Asp (NM_001292022.2); short protein forms A169D, A370D.
Identifiers: ClinVar variation 1506055 (VCV001506055.5), dbSNP rs2127679, ClinGen allele CA363592708.

ClinVar aggregate classification (germline): Uncertain significance (1 of 4 stars; one submission).

Conditions:
MHC class I deficiency. Identifiers: Orphanet 34592, MedGen C6024714, MONDO:0011476.

Submission:

Labcorp Genetics (formerly Invitae), Labcorp
Classification: Uncertain significance for MHC class I deficiency 1. Last evaluated: 2021-11-27. Review status: criteria provided, single submitter. Criteria: Invitae Variant Classification Sherloc (09022015). Collection method: clinical testing. Allele origin: germline.
Comment: This variant has not been reported in the literature in individuals affected with TAP1-related conditions. This sequence change replaces alanine, which is neutral and non-polar, with aspartic acid, which is acidic and polar, at codon 430 of the TAP1 protein (p.Ala430Asp). This variant is not present in population databases (gnomAD no frequency). Algorithms developed to predict the effect of missense changes on protein structure and function are either unavailable or do not agree on the potential impact of this missense change (SIFT: "Deleterious"; PolyPhen-2: "Possibly Damaging"; Align-GVGD: "Class C0"). In summary, the available evidence is currently insufficient to determine the role of this variant in disease. Therefore, it has been classified as a Variant of Uncertain Significance.